The following is an entry in ClinVar:

NM_024589.3(ROGDI):c.810G>A (p.Gln270=)

Gene: ROGDI (rogdi atypical leucine zipper; minus strand). Cytogenetic location: 16p13.3.
Variant type: single nucleotide variant.
Coding change: c.810G>A on transcript NM_024589.3 (MANE Select); coding-DNA position 810, G replaced by A.
Protein change: p.Gln270=; no amino-acid change (glutamine 270 retained).
Molecular consequence: synonymous variant. On other transcripts: non-coding transcript variant (1).
Genome position (GRCh38, 1-based): chr16:4,797,726, C>T on the plus strand (G>A on the coding strand, the complement: ROGDI is on the minus strand). VCF-style: chr16-4797726-C-T. GRCh37 (hg19) VCF-style: chr16-4847727-C-T.
Identifiers: ClinVar variation 530801 (VCV000530801.36), dbSNP rs137912684, ClinGen allele CA7882472.
Genomic context (GRCh38, chr16:4,797,726, plus strand): 5'-GACCCTTAGAAGTCCTTCCCCTAATGAAGGCGCTCGGCCCGGGCCCACCTTGTCCTTGAG[C>T]TGCTGGCAGAGCTGCAGGGAGACGGTGAAGTAGACCAGGGCGTCGTTGAGCCAGGGGATC-3'
Protein context (NP_078865.1, residues 260-280): YFTVSLQLCQ[Gln270=]LKDKISVFSS

ClinVar aggregate classification (germline): Likely benign. Review status: criteria provided, multiple submitters, no conflicts (2 of 4 stars). 3 submissions from 3 submitters: Likely benign (2). 1 of the submissions does not count toward it. Last evaluated 2025-12-28.

Conditions:
Amelocerebrohypohidrotic syndrome (KTZS). Also called: Kohlschutter's syndrome; EPILEPSY AND YELLOW TEETH; EPILEPSY, DEMENTIA, AND AMELOGENESIS IMPERFECTA; KOHLSCHUTTER SYNDROME. Identifiers: Orphanet 1946, MedGen C0406740, MONDO:0009185, OMIM 226750.
ROGDI-related disorder. Also called: ROGDI-related condition.

Allele frequency attached by ClinVar (database versions not stated): gnomAD exomes 0.00007 and 0.00016; ExAC 0.00017; ESP Exome Variant Server 0.00038; TOPMed 0.00060; 1000 Genomes Project 0.00100; 1000 Genomes Project 30x 0.00109; gnomAD 0.00134 and 0.00139.
gnomAD v4.1: 177 of 1,309,570 alleles (0.014%); highest among the groups gnomAD compares: African/African-American, 0.37%; 1 homozygote.

Submissions (3):

Labcorp Genetics (formerly Invitae), Labcorp
Classification: Likely benign for Amelocerebrohypohidrotic syndrome. Last evaluated: 2025-12-28. Review status: criteria provided, single submitter. Criteria: Invitae Variant Classification Sherloc (09022015). Collection method: clinical testing. Allele origin: germline.

CeGaT Center for Human Genetics Tuebingen
Classification: Likely benign. Last evaluated: 2025-07-01. Review status: criteria provided, single submitter. Criteria: CeGaT Center For Human Genetics Tuebingen Variant Classification Criteria Version 2. Collection method: clinical testing. Allele origin: germline. Affected: yes. Observed: 2 variant alleles.
Comment: ROGDI: BP4, BP7

PreventionGenetics, part of Exact Sciences
Classification: Likely benign for ROGDI-related condition. Last evaluated: 2019-04-11. Review status: no assertion criteria provided. Collection method: clinical testing. Allele origin: germline. Not counted in ClinVar's aggregate classification.
Comment: This variant is classified as likely benign based on ACMG/AMP sequence variant interpretation guidelines (Richards et al. 2015 PMID: 25741868, with internal and published modifications).